The following is an entry in ClinVar:

NM_004836.7(EIF2AK3):c.821C>T (p.Thr274Met)

Gene: EIF2AK3 (eukaryotic translation initiation factor 2 alpha kinase 3; minus strand). Cytogenetic location: 2p11.2.
Variant type: single nucleotide variant.
Coding change: c.821C>T on transcript NM_004836.7 (MANE Select); coding-DNA position 821, C replaced by T.
Protein change: p.Thr274Met; replaces threonine 274 with methionine.
Molecular consequence: missense variant.
Genome position (GRCh38, 1-based): chr2:88,590,999, G>A on the plus strand (C>T on the coding strand, the complement: EIF2AK3 is on the minus strand). VCF-style: chr2-88590999-G-A. GRCh37 (hg19) VCF-style: chr2-88890517-G-A.
Other names: c.368C>T, p.Thr123Met (NM_001313915.2); c.821C>T (NM_004836.5); short protein forms T123M, T274M.
Identifiers: ClinVar variation 1010682 (VCV001010682.4), dbSNP rs1372248590, ClinGen allele CA347596130.

ClinVar aggregate classification (germline): Uncertain significance. Review status: criteria provided, multiple submitters, no conflicts (2 of 4 stars). 2 submissions from 2 submitters: Uncertain significance (2). Last evaluated 2024-04-29.

Conditions:
Inborn genetic diseases. Identifiers: MedGen C0950123, MeSH D030342.

Allele frequency attached by ClinVar (database versions not stated): gnomAD exomes 0.00001; TOPMed 0.00003; gnomAD 0.00003.
gnomAD v4.1: 20 of 1,613,890 alleles (0.0012%); highest among the groups gnomAD compares: Admixed American, 0.005%; no homozygotes.

Submissions (2):

Ambry Genetics
Classification: Uncertain significance for Inborn genetic diseases. Last evaluated: 2024-04-29. Review status: criteria provided, single submitter. Criteria: Ambry Variant Classification Scheme 2023. Collection method: clinical testing. Allele origin: germline.

Labcorp Genetics (formerly Invitae), Labcorp
Classification: Uncertain significance. Last evaluated: 2022-10-17. Review status: criteria provided, single submitter. Criteria: Invitae Variant Classification Sherloc (09022015). Collection method: clinical testing. Allele origin: germline.
Comment: This sequence change replaces threonine, which is neutral and polar, with methionine, which is neutral and non-polar, at codon 274 of the EIF2AK3 protein (p.Thr274Met). This variant is present in population databases (no rsID available, gnomAD 0.006%). This variant has not been reported in the literature in individuals affected with EIF2AK3-related conditions. ClinVar contains an entry for this variant (Variation ID: 1010682). Algorithms developed to predict the effect of missense changes on protein structure and function are either unavailable or do not agree on the potential impact of this missense change (SIFT: "Deleterious"; PolyPhen-2: "Benign"; Align-GVGD: "Class C0"). In summary, the available evidence is currently insufficient to determine the role of this variant in disease. Therefore, it has been classified as a Variant of Uncertain Significance.